The following is an entry in ClinVar:

ClinVar aggregate classification (germline): Likely benign (1 of 4 stars; one submission).

Submission:

CeGaT Center for Human Genetics Tuebingen
Classification: Likely benign. Last evaluated: 2026-08-01. Review status: criteria provided, single submitter. Criteria: CeGaT Center For Human Genetics Tuebingen Variant Classification Criteria Version 2. Collection method: clinical testing. Allele origin: germline. Affected: yes. Observed: 1 variant allele.
Comment: LAMA5: PM2:Supporting, BP4, BP7

NM_005560.6(LAMA5):c.855C>G (p.Arg285=)

Gene: LAMA5 (laminin subunit alpha 5; minus strand). Cytogenetic location: 20q13.33.
Variant type: single nucleotide variant.
Coding change: c.855C>G on transcript NM_005560.6 (MANE Select); coding-DNA position 855, C replaced by G.
Protein change: p.Arg285=; no amino-acid change (arginine 285 retained).
Molecular consequence: synonymous variant.
Genome position (GRCh38, 1-based): chr20:62,351,912, G>C on the plus strand (C>G on the coding strand, the complement: LAMA5 is on the minus strand). VCF-style: chr20-62351912-G-C. GRCh37 (hg19) VCF-style: chr20-60926968-G-C.
Identifiers: ClinVar variation 5039032 (VCV005039032.1).